The following is an entry in ClinVar:

NM_001035.3(RYR2):c.5575G>A (p.Glu1859Lys)

Gene: RYR2 (ryanodine receptor 2; plus strand). Cytogenetic location: 1q43.
Variant type: single nucleotide variant.
Coding change: c.5575G>A on transcript NM_001035.3 (MANE Select); coding-DNA position 5575, G replaced by A.
Protein change: p.Glu1859Lys; replaces glutamic acid 1859 with lysine.
Molecular consequence: missense variant.
Genome position (GRCh38, 1-based): chr1:237,614,703, G>A. VCF-style: chr1-237614703-G-A. GRCh37 (hg19) VCF-style: chr1-237778003-G-A.
Other names: short protein forms E1859K.
Identifiers: ClinVar variation 1098816 (VCV001098816.4), dbSNP rs755584806, ClinGen allele CA086912.

ClinVar aggregate classification (germline): Uncertain significance. Review status: criteria provided, multiple submitters, no conflicts (2 of 4 stars). 3 submissions from 3 submitters: Uncertain significance (3). Last evaluated 2024-08-30.

Conditions:
Catecholaminergic polymorphic ventricular tachycardia 1. Also called: VENTRICULAR TACHYCARDIA, CATECHOLAMINERGIC POLYMORPHIC, 1, WITH OR WITHOUT ATRIAL DYSFUNCTION AND/OR DILATED CARDIOMYOPATHY; RYR2-Related Catecholaminergic Polymorphic Ventricular Tachycardia; VENTRICULAR TACHYCARDIA, STRESS-INDUCED POLYMORPHIC 1. Identifiers: Orphanet 3286, MedGen C1631597, MONDO:0011484, OMIM 604772.

Allele frequency attached by ClinVar (database versions not stated): ExAC 0.00001; gnomAD exomes 0.00001.
gnomAD v4.1: 4 of 1,614,030 alleles (0.00025%); highest among the groups gnomAD compares: Non-Finnish European, 0.00034%; no homozygotes.

Submissions (3):

GeneDx
Classification: Uncertain significance. Last evaluated: 2024-08-30. Review status: criteria provided, single submitter. Criteria: GeneDx Variant Classification Process June 2021. Collection method: clinical testing. Allele origin: germline. Affected: yes.
Comment: Not observed at significant frequency in large population cohorts (gnomAD); In silico analysis supports that this missense variant has a deleterious effect on protein structure/function; Has not been previously published as pathogenic or benign to our knowledge; Not located in one of the three hot-spot regions of the RYR2 gene, where the majority of pathogenic missense variants occur (PMID: 19926015); This variant is associated with the following publications: (PMID: 27823983, 19926015)

Labcorp Genetics (formerly Invitae), Labcorp
Classification: Uncertain significance for Catecholaminergic polymorphic ventricular tachycardia 1. Last evaluated: 2024-05-15. Review status: criteria provided, single submitter. Criteria: Invitae Variant Classification Sherloc (09022015). Collection method: clinical testing. Allele origin: germline.
Comment: This sequence change replaces glutamic acid, which is acidic and polar, with lysine, which is basic and polar, at codon 1859 of the RYR2 protein (p.Glu1859Lys). This variant is present in population databases (rs755584806, gnomAD 0.002%). This variant has not been reported in the literature in individuals affected with RYR2-related conditions. ClinVar contains an entry for this variant (Variation ID: 1098816). Advanced modeling of protein sequence and biophysical properties (such as structural, functional, and spatial information, amino acid conservation, physicochemical variation, residue mobility, and thermodynamic stability) performed at Invitae indicates that this missense variant is not expected to disrupt RYR2 protein function with a negative predictive value of 95%. In summary, the available evidence is currently insufficient to determine the role of this variant in disease. Therefore, it has been classified as a Variant of Uncertain Significance.

Women's Health and Genetics/Laboratory Corporation of America, LabCorp
Classification: Uncertain significance. Last evaluated: 2021-04-20. Review status: criteria provided, single submitter. Criteria: LabCorp Variant Classification Summary - May 2015. Collection method: clinical testing. Allele origin: germline.
Comment: Variant summary: RYR2 c.5575G>A (p.Glu1859Lys) results in a conservative amino acid change in the encoded protein sequence. Four of five in-silico tools predict a benign effect of the variant on protein function. The variant allele was found at a frequency of 8e-06 in 248492 control chromosomes (gnomAD). The available data on variant occurrences in the general population are insufficient to allow any conclusion about variant significance. To our knowledge, no occurrence of c.5575G>A in individuals affected with Catecholaminergic Polymorphic Ventricular Tachycardia and no experimental evidence demonstrating its impact on protein function have been reported. No clinical diagnostic laboratories have submitted clinical-significance assessments for this variant to ClinVar after 2014. Based on the evidence outlined above, the variant was classified as uncertain significance.

Literature cited by the submitters: PubMed 27823983 (cited by Women's Health and Genetics/Laboratory Corporation of America, LabCorp).